The following is an entry in ClinVar:

NM_001848.3(COL6A1):c.1784del (p.Glu595fs)

Gene: COL6A1 (collagen type VI alpha 1 chain; plus strand). Cytogenetic location: 21q22.3.
Variant type: Deletion.
Coding change: c.1784del on transcript NM_001848.3 (MANE Select); coding-DNA position 1784, one base deleted (A; older notation c.1784delA).
Protein change: p.Glu595fs; shifts the reading frame from glutamic acid 595.
Molecular consequence: frameshift variant.
Genome position (GRCh38, 1-based): chr21:46,000,338, A deleted. VCF-style (leftmost placement, unchanged base first): chr21-46000337-GA-G. GRCh37 (hg19) VCF-style: chr21-47420251-GA-G.
Other names: short protein forms E595fs.
Identifiers: ClinVar variation 3066098 (VCV003066098.1), dbSNP rs1285743818, ClinGen allele CA749840885.

ClinVar aggregate classification (germline): Likely pathogenic (1 of 4 stars; one submission).

Conditions:
Bethlem myopathy 1A. Also called: MYOPATHY, BENIGN CONGENITAL, WITH CONTRACTURES; Bethlem myopathy 1; Bethlem Muscular Dystrophy. Identifiers: Orphanet 610, MedGen CN029274, MONDO:0024530, OMIM 158810.

Allele frequency attached by ClinVar (database versions not stated): gnomAD exomes below 0.00001; TOPMed below 0.00001.

Submission:

MVZ Medizinische Genetik Mainz
Classification: Likely pathogenic for Bethlem myopathy 1A. Last evaluated: 2022-12-07. Review status: criteria provided, single submitter. Criteria: UK Practice Guidelines For Variant Classification V4 01 2020. Collection method: clinical testing. Allele origin: germline. Inheritance: Autosomal recessive inheritance. Affected: yes. Observed: 1 variant allele.
Comment: ACMG Criteria: PVS1, PM2_SUP (ACMG Version 4); Compound Heterozygote